The following is an entry in ClinVar:

ClinVar aggregate classification (germline): Conflicting classifications of pathogenicity. Review status: criteria provided, conflicting classifications (1 of 4 stars). 5 submissions from 5 submitters: Uncertain significance (2); Likely benign (2). 1 of the submissions does not count toward it. Last evaluated 2026-02-06.

Conditions:
Microcephaly. Also called: Microcephaly (disease). Identifiers: MedGen C4551563, MONDO:0001149, HP:0000252.
Fraser syndrome 2 (FRASRS2). Identifiers: MedGen C4540036, MONDO:0054738, OMIM 617666.
Isolated cryptophthalmia. Also called: ANKYLOBLEPHARON, SIMPLE; Cryptophthalmos, unilateral or bilateral, isolated. Identifiers: Orphanet 91396, MedGen C1852453, MONDO:0007410, OMIM 123570.
FREM2-related disorder. Also called: FREM2-related condition.

Allele frequency attached by ClinVar (database versions not stated): gnomAD 0.00004 and 0.00005; gnomAD exomes 0.00005 and 0.00019; TOPMed 0.00006; 1000 Genomes Project 30x 0.00016; ExAC 0.00017; 1000 Genomes Project 0.00020.
gnomAD v4.1: 77 of 1,614,240 alleles (0.0048%); highest among the groups gnomAD compares: East Asian, 0.16%; no homozygotes.

Submissions (5):

PreventionGenetics, part of Exact Sciences
Classification: Likely benign for FREM2-related condition. Last evaluated: 2026-02-06. Review status: criteria provided, single submitter. Criteria: ACMG Guidelines, 2015. Collection method: clinical testing. Allele origin: germline.
Comment: This variant is classified as likely benign based on ACMG/AMP sequence variant interpretation guidelines (Richards et al. 2015 PMID: 25741868, with internal and published modifications).

Labcorp Genetics (formerly Invitae), Labcorp
Classification: Likely benign. Last evaluated: 2026-01-19. Review status: criteria provided, single submitter. Criteria: Invitae Variant Classification Sherloc (09022015). Collection method: clinical testing. Allele origin: germline.

Department of Pathology and Laboratory Medicine, Sinai Health System
Classification: Uncertain significance for Isolated cryptophthalmia; Fraser syndrome 2. Last evaluated: 2022-05-09. Review status: criteria provided, single submitter. Criteria: ACMG Guidelines, 2015. Collection method: research. Allele origin: germline.

Illumina Laboratory Services, Illumina
Classification: Uncertain significance for Fraser syndrome 2. Last evaluated: 2018-01-12. Review status: criteria provided, single submitter. Criteria: ICSL Variant Classification Criteria 13 December 2019. Collection method: clinical testing. Allele origin: germline.

Department of Pediatrics, Samsung Medical Center, Samsung Medical Center
Classification: Uncertain significance for Microcephaly. Review status: no assertion criteria provided. Criteria: ACMG Guidelines, 2015. Collection method: research. Allele origin: germline. Affected: yes. Not counted in ClinVar's aggregate classification.

NM_207361.6(FREM2):c.4657C>G (p.Pro1553Ala)

Gene: FREM2 (FRAS1 related extracellular matrix 2; plus strand). Cytogenetic location: 13q13.3.
Variant type: single nucleotide variant.
Coding change: c.4657C>G on transcript NM_207361.6 (MANE Select); coding-DNA position 4657, C replaced by G.
Protein change: p.Pro1553Ala; replaces proline 1553 with alanine.
Molecular consequence: missense variant.
Genome position (GRCh38, 1-based): chr13:38,692,001, C>G. VCF-style: chr13-38692001-C-G. GRCh37 (hg19) VCF-style: chr13-39266138-C-G.
Other names: short protein forms P1553A.
Identifiers: ClinVar variation 311979 (VCV000311979.15), dbSNP rs184635412, ClinGen allele CA6955045.